The following is an entry in ClinVar:

NM_000257.4(MYH7):c.3865C>G (p.Arg1289Gly)

Gene: MYH7 (myosin heavy chain 7; minus strand). Cytogenetic location: 14q11.2.
Variant type: single nucleotide variant.
Coding change: c.3865C>G on transcript NM_000257.4 (MANE Select); coding-DNA position 3865, C replaced by G.
Protein change: p.Arg1289Gly; replaces arginine 1289 with glycine.
Molecular consequence: missense variant.
Genome position (GRCh38, 1-based): chr14:23,419,284, G>C on the plus strand (C>G on the coding strand, the complement: MYH7 is on the minus strand). VCF-style: chr14-23419284-G-C. GRCh37 (hg19) VCF-style: chr14-23888493-G-C.
Other names: short protein forms R1289G.
Identifiers: ClinVar variation 407168 (VCV000407168.9), dbSNP rs180824037, ClinGen allele CA16614083.

ClinVar aggregate classification (germline): Uncertain significance (1 of 4 stars; one submission).

Conditions:
Hypertrophic cardiomyopathy. Also called: HYPERTROPHIC MYOCARDIOPATHY. Identifiers: Orphanet 217569, MedGen C0007194, MeSH D002312, MONDO:0005045, HP:0001639.

Submission:

Labcorp Genetics (formerly Invitae), Labcorp
Classification: Uncertain significance for Hypertrophic cardiomyopathy. Last evaluated: 2024-10-28. Review status: criteria provided, single submitter. Criteria: Invitae Variant Classification Sherloc (09022015). Collection method: clinical testing. Allele origin: germline.
Comment: This sequence change replaces arginine, which is basic and polar, with glycine, which is neutral and non-polar, at codon 1289 of the MYH7 protein (p.Arg1289Gly). This variant is not present in population databases (gnomAD no frequency). This variant has not been reported in the literature in individuals affected with MYH7-related conditions. ClinVar contains an entry for this variant (Variation ID: 407168). Invitae Evidence Modeling of protein sequence and biophysical properties (such as structural, functional, and spatial information, amino acid conservation, physicochemical variation, residue mobility, and thermodynamic stability) indicates that this missense variant is expected to disrupt MYH7 protein function with a positive predictive value of 95%. In summary, the available evidence is currently insufficient to determine the role of this variant in disease. Therefore, it has been classified as a Variant of Uncertain Significance.